The following is an entry in ClinVar:

NM_001164508.2(NEB):c.12648C>G (p.Tyr4216Ter)

Gene: NEB (nebulin; minus strand). Cytogenetic location: 2q23.3.
Variant type: single nucleotide variant.
Coding change: c.12648C>G on transcript NM_001164508.2 (MANE Select); coding-DNA position 12648, C replaced by G.
Protein change: p.Tyr4216Ter; replaces tyrosine 4216 with a stop codon.
Molecular consequence: nonsense. On other transcripts: intron variant (1).
Genome position (GRCh38, 1-based): chr2:151,606,705, G>C on the plus strand (C>G on the coding strand, the complement: NEB is on the minus strand). VCF-style: chr2-151606705-G-C. GRCh37 (hg19) VCF-style: chr2-152463219-G-C.
Other names: c.12648C>G, p.Tyr4216Ter (NM_001164507.2, NM_001271208.2); c.11601+3104C>G (NM_004543.5); short protein forms Y4216*.
Identifiers: ClinVar variation 859915 (VCV000859915.11), dbSNP rs2097713802, ClinGen allele CA348774607.

ClinVar aggregate classification (germline): Pathogenic/Likely pathogenic. Review status: criteria provided, multiple submitters, no conflicts (2 of 4 stars). 3 submissions from 3 submitters: Pathogenic (1); Likely pathogenic (2). Last evaluated 2025-12-30.

Conditions:
Nemaline myopathy 2 (NEM2). Also called: Nemaline myopathy 2, autosomal recessive. Identifiers: MedGen C1850569, MONDO:0009725, OMIM 256030.

Submissions (3):

Natera, Inc.
Classification: Likely pathogenic for Nemaline myopathy type 2. Last evaluated: 2025-12-30. Review status: criteria provided, single submitter. Criteria: Natera Variant Classification Schema (03/2026). Collection method: clinical testing. Allele origin: germline.
Comment: The c.12648C>G variant in NEB is a nonsense variant predicted to introduce a stop codon at amino acid 4216. This variant is expected to result in nonsense mediated decay, truncation, or a dysfunctional protein product. This variant is rare in the general population with a frequency below the threshold expected for the associated phenotype(s). Given the available evidence, this variant is classified as Likely Pathogenic.

Revvity Omics, Revvity
Classification: Likely pathogenic. Last evaluated: 2024-12-26. Review status: criteria provided, single submitter. Criteria: ACMG Guidelines, 2015. Collection method: clinical testing. Allele origin: germline.

Labcorp Genetics (formerly Invitae), Labcorp
Classification: Pathogenic for Nemaline myopathy 2. Last evaluated: 2024-01-23. Review status: criteria provided, single submitter. Criteria: Invitae Variant Classification Sherloc (09022015). Collection method: clinical testing. Allele origin: germline.
Comment: This variant occurs in a region of NEB (Exons 82-105) consisting of three highly homologous 8-exon repeat units (exons 82-89, exons 90-97, exons 98-105). Sequence variants in this region can be detected, but this assay cannot determine which of the three repeat units is affected, and zygosity is often ambiguous. All variants in this region are reported relative to the exon 82-89 repeat. This sequence change creates a premature translational stop signal (p.Tyr4216*) in the NEB gene. It is expected to result in an absent or disrupted protein product. Loss-of-function variants in NEB are known to be pathogenic (PMID: 25205138). The frequency data for this variant in the population databases (gnomAD) is considered unreliable due to the presence of homologous sequence, such as pseudogenes or paralogs, in the genome. This premature translational stop signal has been observed in individual(s) with clinical features of NEB-related conditions (Invitae). ClinVar contains an entry for this variant (Variation ID: 859915). For these reasons, this variant has been classified as Pathogenic.

Literature cited by the submitters: PubMed 25205138 (cited by Labcorp Genetics (formerly Invitae), Labcorp).